The following is an entry in ClinVar:

ClinVar aggregate classification (germline): Uncertain significance (1 of 4 stars; one submission).

Conditions:
Dyskeratosis congenita, autosomal recessive 6 (DKCB6). Identifiers: MedGen C4225356, MONDO:0014600, OMIM 616353.
Pulmonary fibrosis and/or bone marrow failure, Telomere-related, 4. Also called: PULMONARY FIBROSIS AND/OR BONE MARROW FAILURE SYNDROME, TELOMERE-RELATED, 4. Identifiers: Orphanet 2032, MedGen C4225347, MONDO:0014612, OMIM 616371.

Allele frequency attached by ClinVar (database versions not stated): gnomAD exomes below 0.00001; TOPMed below 0.00001.
gnomAD v4.1: 2 of 1,589,096 alleles (0.00013%); highest among the groups gnomAD compares: South Asian, 0.0011%; no homozygotes.

Submission:

Labcorp Genetics (formerly Invitae), Labcorp
Classification: Uncertain significance for Dyskeratosis congenita, autosomal recessive 6; Pulmonary fibrosis and/or bone marrow failure, Telomere-related, 4. Last evaluated: 2019-08-26. Review status: criteria provided, single submitter. Criteria: Invitae Variant Classification Sherloc (09022015). Collection method: clinical testing. Allele origin: germline.
Comment: In summary, the available evidence is currently insufficient to determine the role of this variant in disease. Therefore, it has been classified as a Variant of Uncertain Significance. Algorithms developed to predict the effect of missense changes on protein structure and function (SIFT, PolyPhen-2, Align-GVGD) all suggest that this variant is likely to be tolerated, but these predictions have not been confirmed by published functional studies and their clinical significance is uncertain. This variant has not been reported in the literature in individuals with PARN-related conditions. This variant is not present in population databases (ExAC no frequency). This sequence change replaces valine with isoleucine at codon 107 of the PARN protein (p.Val107Ile). The valine residue is moderately conserved and there is a small physicochemical difference between valine and isoleucine.

NM_002582.4(PARN):c.319G>A (p.Val107Ile)

Gene: PARN (poly(A)-specific ribonuclease; minus strand). Cytogenetic location: 16p13.12.
Variant type: single nucleotide variant.
Coding change: c.319G>A on transcript NM_002582.4 (MANE Select); coding-DNA position 319, G replaced by A.
Protein change: p.Val107Ile; replaces valine 107 with isoleucine.
Molecular consequence: missense variant.
Genome position (GRCh38, 1-based): chr16:14,627,114, C>T on the plus strand (G>A on the coding strand, the complement: PARN is on the minus strand). VCF-style: chr16-14627114-C-T. GRCh37 (hg19) VCF-style: chr16-14720971-C-T.
Other names: c.136G>A, p.Val46Ile (NM_001134477.3); c.181G>A, p.Val61Ile (NM_001242992.2); short protein forms V107I, V61I, V46I.
Identifiers: ClinVar variation 956715 (VCV000956715.10), dbSNP rs1338274189, ClinGen allele CA394815705.
Genomic context (GRCh38, chr16:14,627,114, plus strand): 5'-ATGCTGCCTCATCAGCAATTCAGAAAAGAAAAATCTCAATTATGCTACTTACCTGACAAA[C>T]AAATTTGACATCTGGTGAGGATCTATTGAAGGGTTTCGGGAAAACATAGAAGTTAAATGA-3'
Protein context (NP_002573.1, residues 97-117): FNRSSPDVKF[Val107Ile]CQSSSIDFLA